The following is an entry in ClinVar:

NM_000222.3(KIT):c.243A>C (p.Glu81Asp)

Gene: KIT (KIT proto-oncogene, receptor tyrosine kinase; plus strand). Cytogenetic location: 4q12.
Variant type: single nucleotide variant.
Coding change: c.243A>C on transcript NM_000222.3 (MANE Select); coding-DNA position 243, A replaced by C.
Protein change: p.Glu81Asp; replaces glutamic acid 81 with aspartic acid.
Molecular consequence: missense variant.
Genome position (GRCh38, 1-based): chr4:54,695,687, A>C. VCF-style: chr4-54695687-A-C. GRCh37 (hg19) VCF-style: chr4-55561853-A-C.
Other names: c.243A>C, p.Glu81Asp (NM_001093772.2, NM_001385284.1, NM_001385285.1 and 4 more transcripts); short protein forms E81D.
Identifiers: ClinVar variation 1995020 (VCV001995020.4), dbSNP rs750916458, ClinGen allele CA356897149.

ClinVar aggregate classification (germline): Uncertain significance (1 of 4 stars; one submission).

Conditions:
Gastrointestinal stromal tumor. Also called: Gastrointestinal stroma tumor; Gastrointestinal stromal tumor, somatic. Identifiers: Orphanet 44890, MedGen C0238198, MeSH D046152, MONDO:0011719, OMIM 606764, HP:0100723.

Submission:

Labcorp Genetics (formerly Invitae), Labcorp
Classification: Uncertain significance for Gastrointestinal stromal tumor. Last evaluated: 2022-05-16. Review status: criteria provided, single submitter. Criteria: Invitae Variant Classification Sherloc (09022015). Collection method: clinical testing. Allele origin: germline.
Comment: In summary, the available evidence is currently insufficient to determine the role of this variant in disease. Therefore, it has been classified as a Variant of Uncertain Significance. Algorithms developed to predict the effect of missense changes on protein structure and function (SIFT, PolyPhen-2, Align-GVGD) all suggest that this variant is likely to be tolerated. This variant has not been reported in the literature in individuals affected with KIT-related conditions. This variant is not present in population databases (gnomAD no frequency). This sequence change replaces glutamic acid, which is acidic and polar, with aspartic acid, which is acidic and polar, at codon 81 of the KIT protein (p.Glu81Asp).